The following is an entry in ClinVar:

ClinVar aggregate classification (germline): Pathogenic (3 of 4 stars; one submission).

Conditions:
Breast-ovarian cancer, familial, susceptibility to, 1 (BROVCA1). Also called: BRCA1 Hereditary Breast and Ovarian Cancer; OVARIAN CANCER, SUSCEPTIBILITY TO. Identifiers: Orphanet 145, MedGen C2676676, MONDO:0011450, OMIM 604370. Disease mechanism: loss of function.

Submission:

Evidence-based Network for the Interpretation of Germline Mutant Alleles (ENIGMA)
Classification: Pathogenic for Breast-ovarian cancer, familial, susceptibility to, 1. Last evaluated: 2017-12-15. Review status: reviewed by expert panel. Criteria: ENIGMA BRCA1/2 Classification Criteria (2017-06-29). Collection method: curation. Allele origin: germline. Study: ENIGMA.
Comment: Variant allele predicted to encode a truncated non-functional protein.

NM_007294.4(BRCA1):c.3506dup (p.Asp1169fs)

Genes: BRCA1 (BRCA1 DNA repair associated; minus strand), LOC126862571 (BRD4-independent group 4 enhancer GRCh37_chr17:41243136-41244335; plus strand). Cytogenetic location: 17q21.31.
Variant type: Duplication.
Coding change: c.3506dup on transcript NM_007294.4 (MANE Select); coding-DNA position 3506, one base duplicated (A; older notation c.3506dupA).
Protein change: p.Asp1169fs; shifts the reading frame from aspartic acid 1169.
Molecular consequence: frameshift variant. On other transcripts: intron variant (135).
Genome position (GRCh38, 1-based): chr17:43,092,025, T duplicated on the plus strand (A on the coding strand, the reverse complement: BRCA1 is on the minus strand). VCF-style (leftmost placement, unchanged base first): chr17-43092024-G-GT. GRCh37 (hg19) VCF-style: chr17-41244041-G-GT.
Other names: c.3506dupA (NM_007294.3); c.3293dup, p.Asp1098fs (NM_001407571.1, NM_001407853.1, NM_001407894.1 and 9 more transcripts); c.3506dup, p.Asp1169fs (NM_001407581.1, NM_001407582.1, NM_001407583.1 and 30 more transcripts); c.3503dup, p.Asp1168fs (NM_001407587.1, NM_001407590.1, NM_001407591.1 and 22 more transcripts); c.3497dup, p.Asp1166fs (NM_001407646.1, NM_001407647.1); c.3383dup, p.Asp1128fs (NM_001407648.1, NM_001407664.1, NM_001407665.1 and 19 more transcripts); c.3380dup, p.Asp1127fs (NM_001407649.1, NM_001407670.1, NM_001407671.1 and 11 more transcripts); c.3428dup, p.Asp1143fs (NM_001407653.1, NM_001407654.1, NM_001407655.1 and 4 more transcripts); and 42 more; short protein forms D1169fs, D1122fs, D1042fs, D1080fs, D1081fs, D1143fs, D1057fs, D1099fs.
Identifiers: ClinVar variation 548160 (VCV000548160.2), dbSNP rs1555587573, ClinGen allele CA658823971.